The following is an entry in ClinVar:

NM_001127392.3(MYRF):c.463C>T (p.Pro155Ser)

Gene: MYRF (myelin regulatory factor; plus strand). Cytogenetic location: 11q12.2.
Variant type: single nucleotide variant.
Coding change: c.463C>T on transcript NM_001127392.3 (MANE Select); coding-DNA position 463, C replaced by T.
Protein change: p.Pro155Ser; replaces proline 155 with serine.
Molecular consequence: missense variant.
Genome position (GRCh38, 1-based): chr11:61,770,248, C>T. VCF-style: chr11-61770248-C-T. GRCh37 (hg19) VCF-style: chr11-61537720-C-T.
Other names: c.436C>T, p.Pro146Ser (NM_013279.4); short protein forms P146S, P155S.
Identifiers: ClinVar variation 1027689 (VCV001027689.1), dbSNP rs1055552048, ClinGen allele CA222928510.

ClinVar aggregate classification (germline): Uncertain significance (1 of 4 stars; one submission).

Conditions:
Encephalitis/encephalopathy, mild, with reversible myelin vacuolization. Also called: ENCEPHALITIS/ENCEPHALOPATHY, MILD, WITH REVERSIBLE SPLENIAL LESION. Identifiers: MedGen C4722446, MONDO:0020853, OMIM 618113.

Allele frequency attached by ClinVar (database versions not stated): TOPMed below 0.00001 and 0.00001.

Submission:

Baylor Genetics
Classification: Uncertain significance for Encephalitis/encephalopathy, mild, with reversible myelin vacuolization. Last evaluated: 2019-08-12. Review status: criteria provided, single submitter. Criteria: ACMG Guidelines, 2015. Collection method: clinical testing. Allele origin: unknown. Affected: yes.
Comment: This variant was determined to be of uncertain significance according to ACMG Guidelines, 2015 [PMID:25741868].